The following is an entry in ClinVar:

ClinVar aggregate classification (germline): Uncertain significance (1 of 4 stars; one submission).

Submission:

Labcorp Genetics (formerly Invitae), Labcorp
Classification: Uncertain significance. Last evaluated: 2023-08-17. Review status: criteria provided, single submitter. Criteria: Invitae Variant Classification Sherloc (09022015). Collection method: clinical testing. Allele origin: germline.
Comment: Algorithms developed to predict the effect of missense changes on protein structure and function output the following: SIFT: "Not Available"; PolyPhen-2: "Benign"; Align-GVGD: "Not Available". The methionine amino acid residue is found in multiple mammalian species, which suggests that this missense change does not adversely affect protein function. This sequence change replaces valine, which is neutral and non-polar, with methionine, which is neutral and non-polar, at codon 591 of the SPART protein (p.Val591Met). This variant is not present in population databases (gnomAD no frequency). This variant has not been reported in the literature in individuals affected with SPART-related conditions. ClinVar contains an entry for this variant (Variation ID: 2092638). In summary, the available evidence is currently insufficient to determine the role of this variant in disease. Therefore, it has been classified as a Variant of Uncertain Significance.

NM_015087.5(SPART):c.1771G>A (p.Val591Met)

Gene: SPART (spartin; minus strand). Cytogenetic location: 13q13.3.
Variant type: single nucleotide variant.
Coding change: c.1771G>A on transcript NM_015087.5 (MANE Select); coding-DNA position 1771, G replaced by A.
Protein change: p.Val591Met; replaces valine 591 with methionine.
Molecular consequence: missense variant.
Genome position (GRCh38, 1-based): chr13:36,304,595, C>T on the plus strand (G>A on the coding strand, the complement: SPART is on the minus strand). VCF-style: chr13-36304595-C-T. GRCh37 (hg19) VCF-style: chr13-36878732-C-T.
Other names: c.1771G>A, p.Val591Met (NM_001142294.2, NM_001142295.2, NM_001142296.2); short protein forms V591M.
Identifiers: ClinVar variation 2092638 (VCV002092638.4), dbSNP rs2137253718, ClinGen allele CA387853872.